The following is an entry in ClinVar:

NM_000431.4(MVK):c.1040-6_1040-5inv

Gene: MVK (mevalonate kinase; plus strand). Cytogenetic location: 12q24.11.
Variant type: Inversion.
Coding change: c.1040-6_1040-5inv on transcript NM_000431.4 (MANE Select).
Molecular consequence: intron variant.
Genome position: GRCh38 VCF-style: chr12-109596420-CC-GG. GRCh37 (hg19) VCF-style: chr12-110034225-CC-GG.
Other names: c.1040-6_1040-5inv (NM_001414511.1, NM_001114185.3); c.1115-6_1115-5inv (NM_001414512.1); c.1051-6_1051-5inv (NM_001414513.1); c.895-6_895-5inv (NM_001414514.1); c.884-6_884-5inv (NM_001301182.2); c.458-6_458-5inv (NM_001414515.1).
Identifiers: ClinVar variation 2930612 (VCV002930612.3), ClinGen allele CA2740090819.
Genomic context (GRCh38, chr12:109,596,420, plus strand): 5'-GAATATGATGAGCTTCTCCCACGGAGCGGAGAGTTGTCAAGGGTGACCTGCCTTCCCTCC[CC>GG]GCAGGGCTGGAGCAGCCAGAAGTGGAGGCCACGAAGCAGGCCCTGACCAGCTGTGGCTTT-3'

ClinVar aggregate classification (germline): Uncertain significance (1 of 4 stars; one submission).

Conditions:
Mevalonic aciduria (MEVA). Identifiers: Orphanet 29, MedGen C1959626, MONDO:0012481, OMIM 610377.
Porokeratosis 3, disseminated superficial actinic type (POROK3). Also called: POROKERATOSIS, DISSEMINATED SUPERFICIAL ACTINIC, 1; POROKERATOSIS 3, MULTIPLE TYPES; POROKERATOSIS 3, MIBELLI TYPE. Identifiers: MedGen C1867981, MONDO:0008293, OMIM 175900.
Hyperimmunoglobulin D with periodic fever (HIDS). Also called: Hyperimmunoglobulinemia D with periodic fever; HYPERIMMUNOGLOBULINEMIA D AND PERIODIC FEVER SYNDROME; Hyperimmunoglobulinemia D. Identifiers: Orphanet 343, MedGen C0398691, MONDO:0009849, OMIM 260920.

Submission:

Labcorp Genetics (formerly Invitae), Labcorp
Classification: Uncertain significance for Mevalonic aciduria; Hyperimmunoglobulin D with periodic fever; Porokeratosis 3, disseminated superficial actinic type. Last evaluated: 2024-05-04. Review status: criteria provided, single submitter. Criteria: Invitae Variant Classification Sherloc (09022015). Collection method: clinical testing. Allele origin: germline.
Comment: This sequence change falls in intron 10 of the MVK gene. It does not directly change the encoded amino acid sequence of the MVK protein. Information on the frequency of this variant in the gnomAD database is not available, as this variant may be reported differently in the database. This variant has not been reported in the literature in individuals affected with MVK-related conditions. Experimental studies and prediction algorithms are not available or were not evaluated, and the effect of this variant on mRNA splicing is currently unknown. In summary, the available evidence is currently insufficient to determine the role of this variant in disease. Therefore, it has been classified as a Variant of Uncertain Significance.